The following is an entry in ClinVar:

NM_004431.5(EPHA2):c.1618G>A (p.Gly540Ser)

Gene: EPHA2 (EPH receptor A2; minus strand). Cytogenetic location: 1p36.13.
Variant type: single nucleotide variant.
Coding change: c.1618G>A on transcript NM_004431.5 (MANE Select); coding-DNA position 1618, G replaced by A.
Protein change: p.Gly540Ser; replaces glycine 540 with serine.
Molecular consequence: missense variant.
Genome position (GRCh38, 1-based): chr1:16,134,532, C>T on the plus strand (G>A on the coding strand, the complement: EPHA2 is on the minus strand). VCF-style: chr1-16134532-C-T. GRCh37 (hg19) VCF-style: chr1-16461027-C-T.
Other names: c.1456G>A, p.Gly486Ser (NM_001329090.2); c.1618G>A (NM_004431.3); short protein forms G486S, G540S.
Identifiers: ClinVar variation 2872827 (VCV002872827.4), dbSNP rs751558238, ClinGen allele CA625109.

ClinVar aggregate classification (germline): Uncertain significance. Review status: criteria provided, multiple submitters, no conflicts (2 of 4 stars). 2 submissions from 2 submitters: Uncertain significance (2). Last evaluated 2024-01-09.

Conditions:
Inborn genetic diseases. Identifiers: MedGen C0950123, MeSH D030342.
Cataract 6 multiple types. Also called: CATARACT, AGE-RELATED CORTICAL, 2; CATARACT 6, POSTERIOR POLAR; CATARACT 6, CONGENITAL TOTAL. Identifiers: Orphanet 91492, MedGen C1861825, MONDO:0007288, OMIM 116600.

Allele frequency attached by ClinVar (database versions not stated): ExAC 0.00003; gnomAD 0.00003; TOPMed 0.00003.
gnomAD v4.1: 19 of 1,613,998 alleles (0.0012%); highest among the groups gnomAD compares: Admixed American, 0.018%; no homozygotes.

Submissions (2):

Ambry Genetics
Classification: Uncertain significance for Inborn genetic diseases. Last evaluated: 2024-01-09. Review status: criteria provided, single submitter. Criteria: Ambry Variant Classification Scheme 2023. Collection method: clinical testing. Allele origin: germline.

Labcorp Genetics (formerly Invitae), Labcorp
Classification: Uncertain significance for Cataract 6 multiple types. Last evaluated: 2023-11-10. Review status: criteria provided, single submitter. Criteria: Invitae Variant Classification Sherloc (09022015). Collection method: clinical testing. Allele origin: germline.
Comment: This sequence change replaces glycine, which is neutral and non-polar, with serine, which is neutral and polar, at codon 540 of the EPHA2 protein (p.Gly540Ser). This variant is present in population databases (rs751558238, gnomAD 0.02%). This variant has not been reported in the literature in individuals affected with EPHA2-related conditions. Advanced modeling of protein sequence and biophysical properties (such as structural, functional, and spatial information, amino acid conservation, physicochemical variation, residue mobility, and thermodynamic stability) performed at Invitae indicates that this missense variant is not expected to disrupt EPHA2 protein function with a negative predictive value of 95%. In summary, the available evidence is currently insufficient to determine the role of this variant in disease. Therefore, it has been classified as a Variant of Uncertain Significance.